The following is an entry in ClinVar:

ClinVar aggregate classification (germline): Benign. Review status: criteria provided, multiple submitters, no conflicts (2 of 4 stars). 4 submissions from 4 submitters: Benign (4). Last evaluated 2026-01-16.

Conditions:
Cataract 6 multiple types. Also called: CATARACT 6, POSTERIOR POLAR; CATARACT 6, CONGENITAL TOTAL; CATARACT, AGE-RELATED CORTICAL, 2. Identifiers: Orphanet 91492, MedGen C1861825, MONDO:0007288, OMIM 116600.

Allele frequency attached by ClinVar (database versions not stated): gnomAD exomes 0.00170 and 0.00491; ExAC 0.00580; TOPMed 0.02117; ESP Exome Variant Server 0.02161; 1000 Genomes Project 0.02177; 1000 Genomes Project 30x 0.02311.

Submissions (11):

Labcorp Genetics (formerly Invitae), Labcorp
Classification: Benign for Cataract 6 multiple types. Last evaluated: 2026-01-16. Review status: criteria provided, single submitter. Criteria: Invitae Variant Classification Sherloc (09022015). Collection method: clinical testing. Allele origin: germline.

GeneDx
Classification: Benign. Last evaluated: 2018-05-31. Review status: criteria provided, single submitter. Criteria: GeneDx Variant Classification (06012015). Collection method: clinical testing. Allele origin: germline. Affected: yes.
Comment: This variant is considered likely benign or benign based on one or more of the following criteria: it is a conservative change, it occurs at a poorly conserved position in the protein, it is predicted to be benign by multiple in silico algorithms, and/or has population frequency not consistent with disease.

Illumina Laboratory Services, Illumina
Classification: Benign for Cataract 6 multiple types. Last evaluated: 2018-01-13. Review status: criteria provided, single submitter. Criteria: ICSL Variant Classification Criteria 13 December 2019. Collection method: clinical testing. Allele origin: germline.
Comment: This variant was observed in the ICSL laboratory as part of a predisposition screen in an ostensibly healthy population. It had not been previously curated by ICSL or reported in the Human Gene Mutation Database (HGMD: prior to June 1st, 2018), and was therefore a candidate for classification through an automated scoring system. Utilizing variant allele frequency, disease prevalence and penetrance estimates, and inheritance mode, an automated score was calculated to assess if this variant is too frequent to cause the disease. Based on the score and internal cut-off values, a variant classified as benign is not then subjected to further curation. The score for this variant resulted in a classification of benign for this disease.

Breakthrough Genomics
Classification: Benign. Review status: criteria provided, single submitter. Criteria: ACMG Guidelines, 2015. Collection method: not provided. Allele origin: germline. Inheritance: Autosomal dominant inheritance. Affected: yes.

Dr. Peter K. Rogan Lab, Western University
No classification provided (evidence only). Condition: Clear cell carcinoma of kidney. Review status: no classification provided. Collection method: in vitro. Allele origin: not applicable. Functional consequence: retained intron. Not counted in ClinVar's aggregate classification.

Dr. Peter K. Rogan Lab, Western University
No classification provided (evidence only). Condition: Lung cancer. Review status: no classification provided. Collection method: in vitro. Allele origin: not applicable. Functional consequence: retained intron. Not counted in ClinVar's aggregate classification.

Dr. Peter K. Rogan Lab, Western University
No classification provided (evidence only). Condition: Cervical cancer. Review status: no classification provided. Collection method: in vitro. Allele origin: not applicable. Functional consequence: skipped exon, retained intron. Not counted in ClinVar's aggregate classification.

Dr. Peter K. Rogan Lab, Western University
No classification provided (evidence only). Condition: Sarcoma. Review status: no classification provided. Collection method: in vitro. Allele origin: not applicable. Functional consequence: retained intron. Not counted in ClinVar's aggregate classification.

Dr. Peter K. Rogan Lab, Western University
No classification provided (evidence only). Condition: Hepatocellular carcinoma. Review status: no classification provided. Collection method: in vitro. Allele origin: not applicable. Functional consequence: retained intron. Not counted in ClinVar's aggregate classification.

Dr. Peter K. Rogan Lab, Western University
No classification provided (evidence only). Condition: Hepatocellular carcinoma. Review status: no classification provided. Collection method: in vitro. Allele origin: not applicable. Functional consequence: retained intron. Not counted in ClinVar's aggregate classification.

Dr. Peter K. Rogan Lab, Western University
No classification provided (evidence only). Condition: Malignant tumor of esophagus. Review status: no classification provided. Collection method: in vitro. Allele origin: not applicable. Functional consequence: skipped exon, retained intron. Not counted in ClinVar's aggregate classification.

NM_004431.5(EPHA2):c.1512G>T (p.Leu504=)

Gene: EPHA2 (EPH receptor A2; minus strand). Cytogenetic location: 1p36.13.
Variant type: single nucleotide variant.
Coding change: c.1512G>T on transcript NM_004431.5 (MANE Select); coding-DNA position 1512, G replaced by T.
Protein change: p.Leu504=; no amino-acid change (leucine 504 retained).
Molecular consequence: synonymous variant.
Genome position (GRCh38, 1-based): chr1:16,135,106, C>A on the plus strand (G>T on the coding strand, the complement: EPHA2 is on the minus strand). VCF-style: chr1-16135106-C-A. GRCh37 (hg19) VCF-style: chr1-16461601-C-A.
Other names: c.1350G>T, p.Leu450= (NM_001329090.2).
Identifiers: ClinVar variation 293431 (VCV000293431.18), dbSNP rs35676629, ClinGen allele CA625154.